The following is an entry in ClinVar:

ClinVar aggregate classification (germline): Uncertain significance (1 of 4 stars; one submission).

Allele frequency attached by ClinVar (database versions not stated): gnomAD exomes below 0.00001.

Submission:

Labcorp Genetics (formerly Invitae), Labcorp
Classification: Uncertain significance. Last evaluated: 2022-04-04. Review status: criteria provided, single submitter. Criteria: Invitae Variant Classification Sherloc (09022015). Collection method: clinical testing. Allele origin: germline.
Comment: In summary, the available evidence is currently insufficient to determine the role of this variant in disease. Therefore, it has been classified as a Variant of Uncertain Significance. Algorithms developed to predict the effect of missense changes on protein structure and function (SIFT, PolyPhen-2, Align-GVGD) all suggest that this variant is likely to be tolerated. This variant has not been reported in the literature in individuals affected with PUS1-related conditions. This variant is not present in population databases (gnomAD no frequency). This sequence change replaces arginine, which is basic and polar, with histidine, which is basic and polar, at codon 6 of the PUS1 protein (p.Arg6His).

NM_025215.6(PUS1):c.17G>A (p.Arg6His)

Gene: PUS1 (pseudouridine synthase 1; plus strand). Cytogenetic location: 12q24.33.
Variant type: single nucleotide variant.
Coding change: c.17G>A on transcript NM_025215.6 (MANE Select); coding-DNA position 17, G replaced by A.
Protein change: p.Arg6His; replaces arginine 6 with histidine.
Molecular consequence: missense variant. On other transcripts: intron variant (2).
Genome position (GRCh38, 1-based): chr12:131,929,739, G>A. VCF-style: chr12-131929739-G-A. GRCh37 (hg19) VCF-style: chr12-132414284-G-A.
Other names: c.-10-168G>A (NM_001002019.3, NM_001002020.3); short protein forms R6H.
Identifiers: ClinVar variation 2121316 (VCV002121316.4), dbSNP rs2541388195, ClinGen allele CA387296955.